The following is an entry in ClinVar:

ClinVar aggregate classification (germline): Likely benign (1 of 4 stars; one submission).

gnomAD v4.1: 13 of 1,579,578 alleles (0.00082%); highest among the groups gnomAD compares: Non-Finnish European, 0.0011%; no homozygotes.

Submission:

CeGaT Center for Human Genetics Tuebingen
Classification: Likely benign. Last evaluated: 2022-05-01. Review status: criteria provided, single submitter. Criteria: CeGaT Center For Human Genetics Tuebingen Variant Classification Criteria Version 2. Collection method: clinical testing. Allele origin: germline. Affected: yes. Observed: 1 variant allele.
Comment: COL6A2: BP4, BP7

NM_001849.4(COL6A2):c.2634G>C (p.Ala878=)

Gene: COL6A2 (collagen type VI alpha 2 chain; plus strand). Cytogenetic location: 21q22.3.
Variant type: single nucleotide variant.
Coding change: c.2634G>C on transcript NM_001849.4 (MANE Select); coding-DNA position 2634, G replaced by C.
Protein change: p.Ala878=; no amino-acid change (alanine 878 retained).
Molecular consequence: synonymous variant.
Genome position (GRCh38, 1-based): chr21:46,132,126, G>C. VCF-style: chr21-46132126-G-C. GRCh37 (hg19) VCF-style: chr21-47552040-G-C.
Identifiers: ClinVar variation 2652806 (VCV002652806.24), dbSNP rs143749884, ClinGen allele CA513170794.
Genomic context (GRCh38, chr21:46,132,126, plus strand): 5'-GGTGGCGCGGCGGCTGACGCTGGCCCGGAGGGACGACGACCCTCTCAACGCACGCGTGGC[G>C]CTGCTGCAGTTTGGTGGCCCCGGCGAGCAGCAGGTGGCCTTCCCGCTGAGCCACAACCTC-3'
Protein context (NP_001840.3, residues 868-888): RDDDPLNARV[Ala878=]LLQFGGPGEQ